The following is an entry in ClinVar:

NM_001692.4(ATP6V1B1):c.157G>A (p.Val53Met)

Genes: ATP6V1B1 (ATPase H+ transporting V1 subunit B1; plus strand), ATP6V1B1-AS1 (ATP6V1B1 antisense RNA 1; minus strand). Cytogenetic location: 2p13.3.
Variant type: single nucleotide variant.
Coding change: c.157G>A on transcript NM_001692.4 (MANE Select); coding-DNA position 157, G replaced by A.
Protein change: p.Val53Met; replaces valine 53 with methionine.
Molecular consequence: missense variant.
Genome position (GRCh38, 1-based): chr2:70,943,696, G>A. VCF-style: chr2-70943696-G-A. GRCh37 (hg19) VCF-style: chr2-71170826-G-A.
Other names: short protein forms V53M.
Identifiers: ClinVar variation 1918578 (VCV001918578.5), dbSNP rs782734529, ClinGen allele CA1700916.

ClinVar aggregate classification (germline): Uncertain significance (1 of 4 stars; one submission).

Allele frequency attached by ClinVar (database versions not stated): gnomAD exomes below 0.00001; ExAC 0.00001.
gnomAD v4.1: 2 of 1,613,850 alleles (0.00012%); highest among the groups gnomAD compares: Admixed American, 0.0017%; no homozygotes.

Submission:

Labcorp Genetics (formerly Invitae), Labcorp
Classification: Uncertain significance. Last evaluated: 2022-06-17. Review status: criteria provided, single submitter. Criteria: Invitae Variant Classification Sherloc (09022015). Collection method: clinical testing. Allele origin: germline.
Comment: This variant has not been reported in the literature in individuals affected with ATP6V1B1-related conditions. This variant is present in population databases (rs782734529, gnomAD 0.005%). This sequence change replaces valine, which is neutral and non-polar, with methionine, which is neutral and non-polar, at codon 53 of the ATP6V1B1 protein (p.Val53Met). In summary, the available evidence is currently insufficient to determine the role of this variant in disease. Therefore, it has been classified as a Variant of Uncertain Significance. Algorithms developed to predict the effect of missense changes on protein structure and function are either unavailable or do not agree on the potential impact of this missense change (SIFT: "Deleterious"; PolyPhen-2: "Possibly Damaging"; Align-GVGD: "Class C0").